The following is an entry in ClinVar:

ClinVar aggregate classification (germline): Benign/Likely benign. Review status: criteria provided, multiple submitters, no conflicts (2 of 4 stars). 4 submissions from 4 submitters: Benign (1); Likely benign (3). Last evaluated 2026-05-20.

Conditions:
Hereditary cancer-predisposing syndrome. Also called: Hereditary Cancer Syndrome; Neoplastic Syndromes, Hereditary; Hereditary neoplastic syndrome; Tumor predisposition. Identifiers: Orphanet 140162, MedGen C0027672, MeSH D009386, MONDO:0015356.
Cardiovascular phenotype. Identifiers: MedGen CN230736.
Neurofibromatosis, type 1 (NF1). Also called: VON RECKLINGHAUSEN DISEASE; NEUROFIBROMATOSIS, TYPE I, SOMATIC; Neurofibromatosis, type I; Peripheral type neurofibromatosis. Identifiers: Orphanet 636, MedGen C0027831, MONDO:0018975, OMIM 162200. Disease mechanism: loss of function.

Allele frequency attached by ClinVar (database versions not stated): ExAC 0.00001; gnomAD exomes below 0.00001 and 0.00002.
gnomAD v4.1: 27 of 1,613,028 alleles (0.0017%); highest among the groups gnomAD compares: Non-Finnish European, 0.0023%; no homozygotes.

Submissions (4):

Myriad Genetics, Inc.
Classification: Benign for Neurofibromatosis, type 1. Last evaluated: 2026-05-20. Review status: criteria provided, single submitter. Criteria: Myriad Autosomal Dominant, Autosomal Recessive and X-Linked Classification Criteria (2023). Collection method: clinical testing. Allele origin: unknown.
Comment: This variant is considered benign. This variant is a silent/synonymous amino acid change and it is not expected to impact splicing.

Labcorp Genetics (formerly Invitae), Labcorp
Classification: Likely benign for Neurofibromatosis, type 1. Last evaluated: 2025-10-06. Review status: criteria provided, single submitter. Criteria: Invitae Variant Classification Sherloc (09022015). Collection method: clinical testing. Allele origin: germline.

Genome-Nilou Lab
Classification: Likely benign for Neurofibromatosis, type 1. Last evaluated: 2022-03-15. Review status: criteria provided, single submitter. Criteria: ACMG Guidelines, 2015. Collection method: clinical testing. Allele origin: germline. Affected: no.

Ambry Genetics
Classification: Likely benign for Cardiovascular phenotype; Hereditary cancer-predisposing syndrome. Last evaluated: 2018-06-13. Review status: criteria provided, single submitter. Criteria: Ambry Variant Classification Scheme 2023. Collection method: clinical testing. Allele origin: germline.

NM_001042492.3(NF1):c.5976T>C (p.Ile1992=)

Gene: NF1 (neurofibromin 1; plus strand). Cytogenetic location: 17q11.2.
Variant type: single nucleotide variant.
Coding change: c.5976T>C on transcript NM_001042492.3 (MANE Select); coding-DNA position 5976, T replaced by C.
Protein change: p.Ile1992=; no amino-acid change (isoleucine 1992 retained).
Molecular consequence: synonymous variant.
Genome position (GRCh38, 1-based): chr17:31,335,001, T>C. VCF-style: chr17-31335001-T-C. GRCh37 (hg19) VCF-style: chr17-29662019-T-C.
Other names: c.5913T>C, p.Ile1971= (NM_000267.4).
Identifiers: ClinVar variation 413031 (VCV000413031.15), dbSNP rs766233634, ClinGen allele CA8487278.
Genomic context (GRCh38, chr17:31,335,001, plus strand): 5'-TGCTATTCTTGACAAGCTGATAACAATGACCATCAATGAAAAACAGATGTACCCATCTAT[T>C]CAAGCAAAAATATGGGGAAGCCTTGGGCAGGTATTGAGTTTGCTCAAATATTTATCTAGT-3'
Protein context (NP_001035957.1, residues 1982-2002): TINEKQMYPS[Ile1992=]QAKIWGSLGQ